The following is an entry in ClinVar:

ClinVar aggregate classification (germline): Uncertain significance (1 of 4 stars; one submission).

Submission:

GeneDx
Classification: Uncertain significance. Last evaluated: 2019-10-15. Review status: criteria provided, single submitter. Criteria: GeneDx Variant Classification Process June 2021. Collection method: clinical testing. Allele origin: germline. Affected: yes.
Comment: Not observed in large population cohorts (Lek et al., 2016); In silico analysis, which includes protein predictors and evolutionary conservation, supports that this variant does not alter protein structure/function; Has not been previously published as pathogenic or benign to our knowledge

NM_001378452.1(ITPR1):c.5858G>A (p.Gly1953Asp)

Gene: ITPR1 (inositol 1,4,5-trisphosphate receptor type 1; plus strand). Cytogenetic location: 3p26.1.
Variant type: single nucleotide variant.
Coding change: c.5858G>A on transcript NM_001378452.1 (MANE Select); coding-DNA position 5858, G replaced by A.
Protein change: p.Gly1953Asp; replaces glycine 1953 with aspartic acid.
Molecular consequence: missense variant.
Genome position (GRCh38, 1-based): chr3:4,768,643, G>A. VCF-style: chr3-4768643-G-A. GRCh37 (hg19) VCF-style: chr3-4810327-G-A.
Other names: c.5714G>A, p.Gly1905Asp (NM_001099952.4); c.5813G>A, p.Gly1938Asp (NM_001168272.2); c.5669G>A, p.Gly1890Asp (NM_002222.7); short protein forms G1890D, G1905D, G1938D, G1953D.
Identifiers: ClinVar variation 1309318 (VCV001309318.2), dbSNP rs2125376483, ClinGen allele CA351635146.